The following is an entry in ClinVar:

NM_000518.4(HBB):c.206T>C (p.Leu69Pro)

Genes: HBB (hemoglobin subunit beta; minus strand), LOC107133510 (origin of replication at HBB; plus strand), LOC106099062 (HBB recombination region; plus strand). Cytogenetic location: 11p15.4.
Variant type: single nucleotide variant.
Coding change: c.206T>C on transcript NM_000518.4; coding-DNA position 206, T replaced by C.
Protein change: p.Leu69Pro; replaces leucine 69 with proline.
Molecular consequence: missense variant (on NM_000518.5).
Genome position (GRCh38, 1-based): chr11:5,226,686, A>G on the plus strand (T>C on the coding strand, the complement: HBB is on the minus strand). VCF-style: chr11-5226686-A-G. GRCh37 (hg19) VCF-style: chr11-5247916-A-G.
Other names: L68P; c.206T>C, p.Leu69Pro (NM_000518.5); short protein forms L69P.
Identifiers: ClinVar variation 15271 (VCV000015271.3), dbSNP rs33972593, ClinGen allele CA125036.

ClinVar aggregate classification (germline): Likely pathogenic. Review status: criteria provided, single submitter (1 of 4 stars). 2 submissions from 2 submitters: Likely pathogenic (1). 1 of the submissions does not count toward it. Last evaluated 2022-09-12.

Conditions:
Atypical hemolytic-uremic syndrome. Identifiers: Orphanet 2134, MedGen C2931788, MONDO:0016244.
HEMOGLOBIN MIZUHO.

Submissions (2):

Genetics and Molecular Pathology, SA Pathology
Classification: Likely pathogenic for Atypical hemolytic-uremic syndrome. Last evaluated: 2022-09-12. Review status: criteria provided, single submitter. Criteria: ACMG Guidelines, 2015. Collection method: clinical testing. Allele origin: germline. Affected: yes.
Comment: The HBB c.206T>C variant is a single nucleotide change in exon 2/3 of the HBB gene, which is predicted to change the amino acid leucine at position 69 in the protein to proline. The variant, named 'Hb Mizuho' (PMID:893142), has been reported in unrelated patients with a clinical presentation of haemolytic anaemia and splenomegaly (PMID:893142; 33590291; 2272836; 1726094; 25572187) (PS4). This variant is absent from population databases (PM2). Computational predictions support a deleterious effect on the gene or gene product (PP3). The variant has been reported in dbSNP (rs33972593) and in the HGMD database: CM910205.

OMIM
Classification: other for HEMOGLOBIN MIZUHO. Last evaluated: 2017-12-12. Review status: no assertion criteria provided. Collection method: literature only. Allele origin: germline. Not counted in ClinVar's aggregate classification.

Literature cited by the submitters: PubMed 893142 (cited by Genetics and Molecular Pathology, SA Pathology and OMIM); PubMed 1726094 (cited by OMIM); PubMed 7558877 (cited by OMIM).